The following is an entry in ClinVar:

NM_006766.5(KAT6A):c.368G>A (p.Arg123His)

Gene: KAT6A (lysine acetyltransferase 6A; minus strand). Cytogenetic location: 8p11.21.
Variant type: single nucleotide variant.
Coding change: c.368G>A on transcript NM_006766.5 (MANE Select); coding-DNA position 368, G replaced by A.
Protein change: p.Arg123His; replaces arginine 123 with histidine.
Molecular consequence: missense variant.
Genome position (GRCh38, 1-based): chr8:42,048,610, C>T on the plus strand (G>A on the coding strand, the complement: KAT6A is on the minus strand). VCF-style: chr8-42048610-C-T. GRCh37 (hg19) VCF-style: chr8-41906128-C-T.
Other names: c.368G>A, p.Arg123His (NM_001305878.2); short protein forms R123H.
Identifiers: ClinVar variation 2955412 (VCV002955412.3), dbSNP rs998252444, ClinGen allele CA176313572.

ClinVar aggregate classification (germline): Uncertain significance (1 of 4 stars; one submission).

Allele frequency attached by ClinVar (database versions not stated): gnomAD exomes below 0.00001; TOPMed below 0.00001.
gnomAD v4.1: 3 of 1,614,196 alleles (0.00019%); highest among the groups gnomAD compares: Admixed American, 0.0017%; no homozygotes.

Submission:

Labcorp Genetics (formerly Invitae), Labcorp
Classification: Uncertain significance. Last evaluated: 2023-01-09. Review status: criteria provided, single submitter. Criteria: Invitae Variant Classification Sherloc (09022015). Collection method: clinical testing. Allele origin: germline.
Comment: Algorithms developed to predict the effect of missense changes on protein structure and function are either unavailable or do not agree on the potential impact of this missense change (SIFT: "Deleterious"; PolyPhen-2: "Probably Damaging"; Align-GVGD: "Class C0"). In summary, the available evidence is currently insufficient to determine the role of this variant in disease. Therefore, it has been classified as a Variant of Uncertain Significance. This variant has not been reported in the literature in individuals affected with KAT6A-related conditions. This variant is present in population databases (no rsID available, gnomAD 0.0009%). This sequence change replaces arginine, which is basic and polar, with histidine, which is basic and polar, at codon 123 of the KAT6A protein (p.Arg123His).